The following is an entry in ClinVar:

ClinVar aggregate classification (germline): Uncertain significance (1 of 4 stars; one submission).

gnomAD v4.1: 1 of 1,611,310 alleles (0.000062%); highest among the groups gnomAD compares: Non-Finnish European, 0.000085%; no homozygotes.

Submission:

GeneDx
Classification: Uncertain significance. Last evaluated: 2022-10-17. Review status: criteria provided, single submitter. Criteria: GeneDx Variant Classification Process June 2021. Collection method: clinical testing. Allele origin: germline. Affected: yes.
Comment: Not observed at significant frequency in large population cohorts (gnomAD); In silico analysis supports that this missense variant has a deleterious effect on protein structure/function; Has not been previously published as pathogenic or benign to our knowledge

NM_001394372.1(BICRA):c.3620C>G (p.Ser1207Trp)

Gene: BICRA (BRD4 interacting chromatin remodeling complex associated protein; plus strand). Cytogenetic location: 19q13.33.
Variant type: single nucleotide variant.
Coding change: c.3620C>G on transcript NM_001394372.1 (MANE Select); coding-DNA position 3620, C replaced by G.
Protein change: p.Ser1207Trp; replaces serine 1207 with tryptophan.
Molecular consequence: missense variant.
Genome position (GRCh38, 1-based): chr19:47,701,352, C>G. VCF-style: chr19-47701352-C-G. GRCh37 (hg19) VCF-style: chr19-48204609-C-G.
Other names: c.3620C>G, p.Ser1207Trp (NM_015711.3); short protein forms S1207W.
Identifiers: ClinVar variation 2499357 (VCV002499357.1), dbSNP rs758950481, ClinGen allele CA406612376.